The following is an entry in ClinVar:

ClinVar aggregate classification (germline): Uncertain significance. Review status: reviewed by expert panel (3 of 4 stars). 20 submissions from 19 submitters: Uncertain significance (1). 19 of the submissions do not count toward it. Last evaluated 2017-10-03.

Conditions:
CFTR-related disorder (CFTR-RD). Also called: CFTR-related condition; CFTR-related disorders. Identifiers: MedGen C5924204, MONDO:7770004.
Cystic fibrosis (CF). Also called: MUCOVISCIDOSIS. Identifiers: Orphanet 586, MedGen C0010674, MONDO:0009061, OMIM 219700. Disease mechanism: loss of function.
Congenital bilateral aplasia of vas deferens from CFTR mutation (CBAVD). Identifiers: Orphanet 48, MedGen C0403814, MONDO:0010178, OMIM 277180. Disease mechanism: loss of function.
Hereditary pancreatitis (PCTT). Also called: PRSS1-Related Hereditary Pancreatitis; Hereditary chronic pancreatitis. Identifiers: Orphanet 676, MedGen C0238339, MONDO:0008185, OMIM 167800.
Bronchiectasis with or without elevated sweat chloride 1 (BESC1). Also called: Cystic Fibrosis-Like Syndrome. Identifiers: Orphanet 60033, MedGen C2749757, MONDO:0008887, OMIM 211400.

Allele frequency attached by ClinVar (database versions not stated): gnomAD exomes 0.00011 and 0.00030; ExAC 0.00013; gnomAD 0.00014 and 0.00015; TOPMed 0.00015.
gnomAD v4.1: 471 of 1,613,674 alleles (0.029%); highest among the groups gnomAD compares: Non-Finnish European, 0.037%; no homozygotes.

Submissions 1 to 8 of 20:

CFTR2
Classification: Uncertain significance for Cystic fibrosis. Last evaluated: 2017-10-03. Review status: reviewed by expert panel. Criteria: Submitter's publication and website. Collection method: research. Allele origin: germline. Affected: yes.

PreventionGenetics, part of Exact Sciences
Classification: Uncertain significance for CFTR-related condition. Last evaluated: 2026-06-26. Review status: criteria provided, single submitter. Criteria: ACMG Guidelines, 2015. Collection method: clinical testing. Allele origin: germline. Not counted in ClinVar's aggregate classification.
Comment: The CFTR c.1046C>T variant is predicted to result in the amino acid substitution p.Ala349Val. This variant, along with a truncating CFTR variant of unknown phase, has been reported in an individual with chronic pancreatitis (Sultan et al 2012. PubMed ID: 22094894). This variant has been reported in eight patients who also carried an ACMG-PI variant within the CFTR2 database. However, these patients had a normal average sweat chloride measurement of 37 mEq/L, and the variant is noted to have varying clinical consequence. Functional studies in vitro indicate that the p.Ala349Val variant retains nearly 50% CFTR function relative to control, compared to <10% function for defined CF causing variants (Raraigh et al. 2018. PubMed ID: 29805046). This variant is reported in 0.022% of alleles in individuals of European (Non-Finnish) descent in gnomAD. At this time, the clinical significance of this variant is uncertain due to the absence of conclusive functional and genetic evidence.

Women's Health and Genetics/Laboratory Corporation of America, LabCorp
Classification: Uncertain significance. Last evaluated: 2026-06-08. Review status: criteria provided, single submitter. Criteria: LabCorp Variant Classification Summary - May 2015. Collection method: clinical testing. Allele origin: germline. Not counted in ClinVar's aggregate classification.
Comment: Variant summary: CFTR c.1046C>T (p.Ala349Val) results in a non-conservative amino acid change located in the ABC transporter transmembrane region of the encoded protein sequence. Four of four in-silico tools predict a damaging effect of the variant on protein function. The variant allele was found at a frequency of 0.00011 in 251726 control chromosomes. This frequency is not significantly higher than estimated for a pathogenic variant in CFTR causing Non-Classic Cystic Fibrosis (0.00011 vs 0.013), allowing no conclusion about variant significance. In our conservative assessment, these data do not allow any conclusion about variant significance. Three publications reporting experimental evidence evaluating an impact on protein function were ascertained in the context of this evaluation. The most pronounced variant effect results in 30%-50% of normal CFTR activity with a categorization as indeterminate (Raraigh_2018, Han_2018) and in approximately 38% of normal chloride channel conductance relative to wild type (Bihler_2024). The following publications have been ascertained in the context of this evaluation (PMID: 11168024, 17003641, 15638824, 19324992, 11933191, 7683952, 16635477, 8627844, 22094894, 20100616, 25735457, 25754095, 29805046, 30046002, 29669919, 26671754, 30888834, 38388235, 39532587). ClinVar contains an entry for this variant (Variation ID: 7172). Based on the evidence outlined above, the variant was classified as VUS-possibly pathogenic.

GeneDx
Classification: Uncertain significance. Last evaluated: 2025-12-31. Review status: criteria provided, single submitter. Criteria: GeneDx Variant Classification Process June 2021. Collection method: clinical testing. Allele origin: germline. Affected: yes. Not counted in ClinVar's aggregate classification.
Comment: In silico analysis suggests that this missense variant does not alter protein structure/function; Classified as a variant of varying clinical consequence in a well-curated database (CFTR2); This variant is associated with the following publications: (PMID: 8627844, 11933191, 16635477, 15024729, 19324992, 25304080, 25735457, 33500538, 30046002, 7683952, 17003641, 31036917, 25087612, 26671754, 23523379, 25754095, 11168024, 15070876, 15638824, 20100616, 22094894, 29669919, 30888834, 33922413, 19897426, 39532587, 34996830, 35652053, 36253274, 37873426, 29805046, 39841779, 39062716, 38388235, 38871151, 34405919, 41019016)

Ambry Genetics
Classification: Uncertain significance for Cystic fibrosis. Last evaluated: 2025-06-16. Review status: criteria provided, single submitter. Criteria: Ambry Variant Classification Scheme 2023. Collection method: clinical testing. Allele origin: germline. Not counted in ClinVar's aggregate classification.
Comment: The p.A349V variant (also known as c.1046C>T), located in coding exon 8 of the CFTR gene, results from a C to T substitution at nucleotide position 1046. The alanine at codon 349 is replaced by valine, an amino acid with similar properties. This variant was identified in one individual with congenital bilateral absence of the vas deferens (CBAVD) and one individual with recurrent acute pancreatitis; both individuals were also heterozygous for a pathogenic mutation, but the phase is unknown (Dayanga&ccedil; D et al. Hum. Reprod., 2004 May;19:1094-100; Sultan M et al. J. Pediatr. Gastroenterol. Nutr., 2012 May;54:645-50). In CFBE cells, this variant demonstrated 45% of wild type CFTR function (Raraigh KS et al. Am. J. Hum. Genet., 2018 Jun;102:1062-1077). This amino acid position is not well conserved in available vertebrate species. In addition, this alteration is predicted to be deleterious by in silico analysis. Based on available evidence to date, the clinical significance of this alteration remains unclear.

Mendelics
Classification: Likely pathogenic for Hereditary pancreatitis. Last evaluated: 2025-03-20. Review status: criteria provided, single submitter. Criteria: Mendelics Assertion Criteria 2019. Collection method: clinical testing. Allele origin: germline. Not counted in ClinVar's aggregate classification.
Comment: VarIant NM_000492.4(CFTR):c.1046C>T (p.Ala349Val) has GnomAD 4.1 frequency of 0.0002919 with 0 homozygote. Reported as likely pathogenic in PMID 29805046

Labcorp Genetics (formerly Invitae), Labcorp
Classification: Uncertain significance for Cystic fibrosis. Last evaluated: 2024-12-05. Review status: criteria provided, single submitter. Criteria: Invitae Variant Classification Sherloc (09022015). Collection method: clinical testing. Allele origin: germline. Not counted in ClinVar's aggregate classification.
Comment: This sequence change replaces alanine, which is neutral and non-polar, with valine, which is neutral and non-polar, at codon 349 of the CFTR protein (p.Ala349Val). This variant is present in population databases (rs121909021, gnomAD 0.02%). This missense change has been observed in individuals with CFTR-related diseases, including recurrent pancreatitis, cystic fibrosis (CF), CF-related metabolic syndrome, and congenital bilateral absence of the vas deferens (PMID: 15070876, 15638824, 17003641, 22094894, 25754095, 26671754). ClinVar contains an entry for this variant (Variation ID: 7172). Invitae Evidence Modeling of protein sequence and biophysical properties (such as structural, functional, and spatial information, amino acid conservation, physicochemical variation, residue mobility, and thermodynamic stability) indicates that this missense variant is not expected to disrupt CFTR protein function with a negative predictive value of 80%. Experimental studies have shown that this missense change affects CFTR function (PMID: 30046002). In summary, the available evidence is currently insufficient to determine the role of this variant in disease. Therefore, it has been classified as a Variant of Uncertain Significance.

Blueprint Genetics
Classification: Uncertain significance. Last evaluated: 2024-10-24. Review status: criteria provided, single submitter. Criteria: ACMG Guidelines, 2015. Collection method: clinical testing. Allele origin: germline. Not counted in ClinVar's aggregate classification.

NM_000492.4(CFTR):c.1046C>T (p.Ala349Val)

Gene: CFTR (CF transmembrane conductance regulator; plus strand). Cytogenetic location: 7q31.2.
Variant type: single nucleotide variant.
Coding change: c.1046C>T on transcript NM_000492.4 (MANE Select); coding-DNA position 1046, C replaced by T.
Protein change: p.Ala349Val; replaces alanine 349 with valine.
Molecular consequence: missense variant.
Genome position (GRCh38, 1-based): chr7:117,540,276, C>T. VCF-style: chr7-117540276-C-T. GRCh37 (hg19) VCF-style: chr7-117180330-C-T.
Other names: short protein forms A349V.
Identifiers: ClinVar variation 7172 (VCV000007172.59), dbSNP rs121909021, ClinGen allele CA325562.